The following is an entry in ClinVar:

ClinVar aggregate classification (germline): Pathogenic (1 of 4 stars; one submission).

Submission:

Labcorp Genetics (formerly Invitae), Labcorp
Classification: Pathogenic. Last evaluated: 2022-01-28. Review status: criteria provided, single submitter. Criteria: Invitae Variant Classification Sherloc (09022015). Collection method: clinical testing. Allele origin: germline.
Comment: For these reasons, this variant has been classified as Pathogenic. This variant has not been reported in the literature in individuals affected with NDUFAF5-related conditions. This variant is not present in population databases (gnomAD no frequency). This sequence change creates a premature translational stop signal (p.Leu159*) in the NDUFAF5 gene. It is expected to result in an absent or disrupted protein product. Loss-of-function variants in NDUFAF5 are known to be pathogenic (PMID: 26275793, 30473481, 32918965).

Literature cited by the submitters: PubMed 26275793; PubMed 30473481; PubMed 32918965.

NM_024120.5(NDUFAF5):c.476T>G (p.Leu159Ter)

Gene: NDUFAF5 (NADH:ubiquinone oxidoreductase complex assembly factor 5; plus strand). Cytogenetic location: 20p12.1.
Variant type: single nucleotide variant.
Coding change: c.476T>G on transcript NM_024120.5 (MANE Select); coding-DNA position 476, T replaced by G.
Protein change: p.Leu159Ter; replaces leucine 159 with a stop codon.
Molecular consequence: nonsense. On other transcripts: 5 prime UTR variant (2), non-coding transcript variant (5), intron variant (2).
Genome position (GRCh38, 1-based): chr20:13,794,938, T>G. VCF-style: chr20-13794938-T-G. GRCh37 (hg19) VCF-style: chr20-13775584-T-G.
Other names: c.-86T>G (NM_001352406.2, NM_001352407.2); c.476T>G, p.Leu159Ter (NM_001352408.2); c.395+1711T>G (NM_001039375.3); c.8+1711T>G (NM_001352403.2); short protein forms L159*.
Identifiers: ClinVar variation 1965673 (VCV001965673.5), dbSNP rs2516152792, ClinGen allele CA408269003.